The following is an entry in ClinVar:

ClinVar aggregate classification (germline): Uncertain significance (1 of 4 stars; one submission).

Conditions:
Duchenne muscular dystrophy (DMD). Also called: MUSCULAR DYSTROPHY, PSEUDOHYPERTROPHIC PROGRESSIVE, DUCHENNE TYPE; Duchenne Muscular Dystrophy (DMD). Identifiers: Orphanet 98896, MedGen C0013264, MONDO:0010679, OMIM 310200.

Submission:

Labcorp Genetics (formerly Invitae), Labcorp
Classification: Uncertain significance for Duchenne muscular dystrophy. Last evaluated: 2023-06-02. Review status: criteria provided, single submitter. Criteria: Invitae Variant Classification Sherloc (09022015). Collection method: clinical testing. Allele origin: germline.
Comment: This sequence change replaces isoleucine, which is neutral and non-polar, with leucine, which is neutral and non-polar, at codon 228 of the DMD protein (p.Ile228Leu). This variant is not present in population databases (gnomAD no frequency). This variant has not been reported in the literature in individuals affected with DMD-related conditions. Advanced modeling of protein sequence and biophysical properties (such as structural, functional, and spatial information, amino acid conservation, physicochemical variation, residue mobility, and thermodynamic stability) performed at Invitae indicates that this missense variant is not expected to disrupt DMD protein function. In summary, the available evidence is currently insufficient to determine the role of this variant in disease. Therefore, it has been classified as a Variant of Uncertain Significance.

NM_004006.3(DMD):c.682A>C (p.Ile228Leu)

Gene: DMD (dystrophin; minus strand). Cytogenetic location: Xp21.1.
Variant type: single nucleotide variant.
Coding change: c.682A>C on transcript NM_004006.3 (MANE Select); coding-DNA position 682, A replaced by C.
Protein change: p.Ile228Leu; replaces isoleucine 228 with leucine.
Molecular consequence: missense variant.
Genome position (GRCh38, 1-based): chrX:32,699,261, T>G on the plus strand (A>C on the coding strand, the complement: DMD is on the minus strand). VCF-style: chrX-32699261-T-G. GRCh37 (hg19) VCF-style: chrX-32717378-T-G.
Other names: c.658A>C, p.Ile220Leu (NM_000109.4); c.670A>C, p.Ile224Leu (NM_004009.3); c.313A>C, p.Ile105Leu (NM_004010.3); short protein forms I105L, I228L, I220L, I224L.
Identifiers: ClinVar variation 2757899 (VCV002757899.3), dbSNP rs904314683, ClinGen allele CA412669115.